The following is an entry in ClinVar:

ClinVar aggregate classification (germline): Pathogenic (1 of 4 stars; one submission).

Conditions:
Distichiasis-lymphedema syndrome. Also called: LYMPHEDEMA WITH DISTICHIASIS. Identifiers: Orphanet 33001, MedGen C0265345, MONDO:0007922, OMIM 153400.

Submission:

Rady Children's Institute for Genomic Medicine, Rady Children's Hospital San Diego
Classification: Pathogenic for LYMPHEDEMA-DISTICHIASIS SYNDROME. Review status: criteria provided, single submitter. Criteria: ACMG Guidelines, 2015. Collection method: clinical testing. Allele origin: germline. Affected: yes.
Comment: This frameshifting variant in exon 1 of 1 introduces a premature stop codon and is predicted to result in loss of normal protein function through protein truncation. This variant has not been previously reported or functionally characterized in the literature to our knowledge; however, nearby loss of function variants have been reported in FOXC2-related disorders and loss-of-function variation in FOXC2 is an established mechanism of disease (PMID: 11499682; 24167460). The c.908_923dup (p.Pro309AlafsTer159) variant is absent from the gnomAD population database and thus is presumed to be rare. Analysis of the parental samples was negative for the variant, indicating this variant likely occurred as a de novo event. Based on the available evidence, the c.908_923dup (p.Pro309AlafsTer159) variant is classified as Pathogenic.

NM_005251.3(FOXC2):c.908_923dup (p.Pro309fs)

Gene: FOXC2 (forkhead box C2; plus strand). Cytogenetic location: 16q24.1.
Variant type: Duplication.
Coding change: c.908_923dup on transcript NM_005251.3 (MANE Select); coding-DNA positions 908 to 923, 16 bases duplicated (TGCCCTACGCCGCCGC).
Protein change: p.Pro309fs; shifts the reading frame from proline 309.
Molecular consequence: frameshift variant.
Genome position (GRCh38, 1-based): chr16:86,568,243-86,568,258, TGCCCTACGCCGCCGC duplicated; duplicating any 16 consecutive bases within chr16:86,568,240-86,568,258 gives the same sequence; the c. name uses the placement nearest the transcript's 3' end. VCF-style (leftmost placement, unchanged base first): chr16-86568239-G-GCGCTGCCCTACGCCGC. GRCh37 (hg19) VCF-style: chr16-86601845-G-GCGCTGCCCTACGCCGC.
Other names: short protein forms P309fs.
Identifiers: ClinVar variation 2584485 (VCV002584485.1), dbSNP rs2507945608, ClinGen allele CA2582342607.